The following is an entry in ClinVar:

NM_002471.4(MYH6):c.5141G>A (p.Arg1714Gln)

Genes: MYH6 (myosin heavy chain 6; minus strand), LOC126861896 (BRD4-independent group 4 enhancer GRCh37_chr14:23854904-23856103; plus strand). Cytogenetic location: 14q11.2.
Variant type: single nucleotide variant.
Coding change: c.5141G>A on transcript NM_002471.4 (MANE Select); coding-DNA position 5141, G replaced by A.
Protein change: p.Arg1714Gln; replaces arginine 1714 with glutamine.
Molecular consequence: missense variant.
Genome position (GRCh38, 1-based): chr14:23,385,950, C>T on the plus strand (G>A on the coding strand, the complement: MYH6 is on the minus strand). VCF-style: chr14-23385950-C-T. GRCh37 (hg19) VCF-style: chr14-23855159-C-T.
Other names: short protein forms R1714Q.
Identifiers: ClinVar variation 2061786 (VCV002061786.5), dbSNP rs777682189, ClinGen allele CA7114538.

ClinVar aggregate classification (germline): Uncertain significance. Review status: criteria provided, multiple submitters, no conflicts (2 of 4 stars). 2 submissions from 2 submitters: Uncertain significance (2). Last evaluated 2024-04-22.

Conditions:
Cardiovascular phenotype. Identifiers: MedGen CN230736.
Hypertrophic cardiomyopathy 14. Identifiers: MedGen C2750467, MONDO:0013197, OMIM 613251.

Allele frequency attached by ClinVar (database versions not stated): ExAC 0.00002.
gnomAD v4.1: 32 of 1,614,082 alleles (0.002%); highest among the groups gnomAD compares: East Asian, 0.013%; no homozygotes.

Submissions (2):

Labcorp Genetics (formerly Invitae), Labcorp
Classification: Uncertain significance for Hypertrophic cardiomyopathy 14. Last evaluated: 2024-04-22. Review status: criteria provided, single submitter. Criteria: Invitae Variant Classification Sherloc (09022015). Collection method: clinical testing. Allele origin: germline.
Comment: This sequence change replaces arginine, which is basic and polar, with glutamine, which is neutral and polar, at codon 1714 of the MYH6 protein (p.Arg1714Gln). This variant is present in population databases (rs777682189, gnomAD 0.01%). This variant has not been reported in the literature in individuals affected with MYH6-related conditions. ClinVar contains an entry for this variant (Variation ID: 2061786). Advanced modeling of protein sequence and biophysical properties (such as structural, functional, and spatial information, amino acid conservation, physicochemical variation, residue mobility, and thermodynamic stability) performed at Invitae indicates that this missense variant is not expected to disrupt MYH6 protein function with a negative predictive value of 80%. In summary, the available evidence is currently insufficient to determine the role of this variant in disease. Therefore, it has been classified as a Variant of Uncertain Significance.

Ambry Genetics
Classification: Uncertain significance for Cardiovascular phenotype. Last evaluated: 2023-10-26. Review status: criteria provided, single submitter. Criteria: Ambry Variant Classification Scheme 2023. Collection method: clinical testing. Allele origin: germline.
Comment: The p.R1714Q variant (also known as c.5141G>A), located in coding exon 32 of the MYH6 gene, results from a G to A substitution at nucleotide position 5141. The arginine at codon 1714 is replaced by glutamine, an amino acid with highly similar properties. This amino acid position is highly conserved in available vertebrate species. In addition, the in silico prediction for this alteration is inconclusive. Since supporting evidence is limited at this time, the clinical significance of this alteration remains unclear.